The following is an entry in ClinVar:

NM_004385.5(VCAN):c.2453C>T (p.Thr818Ile)

Gene: VCAN (versican; plus strand). Cytogenetic location: 5q14.3.
Variant type: single nucleotide variant.
Coding change: c.2453C>T on transcript NM_004385.5 (MANE Select); coding-DNA position 2453, C replaced by T.
Protein change: p.Thr818Ile; replaces threonine 818 with isoleucine.
Molecular consequence: missense variant. On other transcripts: intron variant (2).
Genome position (GRCh38, 1-based): chr5:83,520,759, C>T. VCF-style: chr5-83520759-C-T. GRCh37 (hg19) VCF-style: chr5-82816578-C-T.
Other names: c.2453C>T, p.Thr818Ile (NM_001164098.2); c.1042+8363C>T (NM_001164097.2, NM_001126336.3); short protein forms T818I.
Identifiers: ClinVar variation 2070350 (VCV002070350.4), dbSNP rs2479052625, ClinGen allele CA360303968.

ClinVar aggregate classification (germline): Uncertain significance (1 of 4 stars; one submission).

Allele frequency attached by ClinVar (database versions not stated): gnomAD exomes below 0.00001.
gnomAD v4.1: 1 of 1,614,130 alleles (0.000062%); highest among the groups gnomAD compares: Non-Finnish European, 0.000085%; no homozygotes.

Submission:

Labcorp Genetics (formerly Invitae), Labcorp
Classification: Uncertain significance. Last evaluated: 2022-03-09. Review status: criteria provided, single submitter. Criteria: Invitae Variant Classification Sherloc (09022015). Collection method: clinical testing. Allele origin: germline.
Comment: This variant is not present in population databases (gnomAD no frequency). In summary, the available evidence is currently insufficient to determine the role of this variant in disease. Therefore, it has been classified as a Variant of Uncertain Significance. Algorithms developed to predict the effect of missense changes on protein structure and function (SIFT, PolyPhen-2, Align-GVGD) all suggest that this variant is likely to be disruptive. This variant has not been reported in the literature in individuals affected with VCAN-related conditions. This sequence change replaces threonine, which is neutral and polar, with isoleucine, which is neutral and non-polar, at codon 818 of the VCAN protein (p.Thr818Ile).